The following is an entry in ClinVar:

NM_032119.4(ADGRV1):c.11522C>T (p.Thr3841Ile)

Gene: ADGRV1 (adhesion G protein-coupled receptor V1; plus strand). Cytogenetic location: 5q14.3.
Variant type: single nucleotide variant.
Coding change: c.11522C>T on transcript NM_032119.4 (MANE Select); coding-DNA position 11522, C replaced by T.
Protein change: p.Thr3841Ile; replaces threonine 3841 with isoleucine.
Molecular consequence: missense variant. On other transcripts: non-coding transcript variant (1).
Genome position (GRCh38, 1-based): chr5:90,755,127, C>T. VCF-style: chr5-90755127-C-T. GRCh37 (hg19) VCF-style: chr5-90050944-C-T.
Other names: short protein forms T3841I.
Identifiers: ClinVar variation 2421025 (VCV002421025.6), dbSNP rs745539192, ClinGen allele CA3340984.
Genomic context (GRCh38, chr5:90,755,127, plus strand): 5'-ATTTCTTACTGCATGTCGATAATCAAGCTACTGAGAATGAAGATTATGTATTGCAAGAAA[C>T]AATAATAATAATGAAAGAAAACATAAAAGAAGCTCATGCCGAAGTTTCCATTTTGCCGGT-3'
Protein context (NP_115495.3, residues 3831-3851): TENEDYVLQE[Thr3841Ile]IIIMKENIKE

ClinVar aggregate classification (germline): Uncertain significance (1 of 4 stars; one submission).

Allele frequency attached by ClinVar (database versions not stated): gnomAD exomes below 0.00001; ExAC 0.00001; gnomAD 0.00003; TOPMed 0.00004.
gnomAD v4.1: 5 of 1,610,834 alleles (0.00031%); highest among the groups gnomAD compares: African/African-American, 0.0067%; no homozygotes.

Submission:

Labcorp Genetics (formerly Invitae), Labcorp
Classification: Uncertain significance. Last evaluated: 2021-12-23. Review status: criteria provided, single submitter. Criteria: Invitae Variant Classification Sherloc (09022015). Collection method: clinical testing. Allele origin: germline.
Comment: In summary, the available evidence is currently insufficient to determine the role of this variant in disease. Therefore, it has been classified as a Variant of Uncertain Significance. Algorithms developed to predict the effect of missense changes on protein structure and function (SIFT, PolyPhen-2, Align-GVGD) all suggest that this variant is likely to be tolerated. This variant has not been reported in the literature in individuals affected with ADGRV1-related conditions. This variant is present in population databases (rs745539192, gnomAD 0.008%). This sequence change replaces threonine, which is neutral and polar, with isoleucine, which is neutral and non-polar, at codon 3841 of the ADGRV1 protein (p.Thr3841Ile).